The following is an entry in ClinVar:

NM_001378743.1(CYLD):c.2148A>G (p.Gln716=)

Genes: CYLD (CYLD lysine 63 deubiquitinase; plus strand), CYLD-AS2 (CYLD antisense RNA 2; minus strand). Cytogenetic location: 16q12.1.
Variant type: single nucleotide variant.
Coding change: c.2148A>G on transcript NM_001378743.1 (MANE Select); coding-DNA position 2148, A replaced by G.
Protein change: p.Gln716=; no amino-acid change (glutamine 716 retained).
Molecular consequence: synonymous variant. On other transcripts: non-coding transcript variant (1).
Genome position (GRCh38, 1-based): chr16:50,791,597, A>G. VCF-style: chr16-50791597-A-G. GRCh37 (hg19) VCF-style: chr16-50825508-A-G.
Other names: c.2139A>G, p.Gln713= (NM_001042355.2, NM_001042412.3, NM_001378744.1 and 6 more transcripts); c.2109A>G, p.Gln703= (NM_001378751.1, NM_001378752.1, NM_001378753.1); c.1473A>G, p.Gln491= (NM_001378754.1, NM_001378755.1); c.2148A>G, p.Gln716= (NM_015247.3).
Identifiers: ClinVar variation 3025155 (VCV003025155.22), dbSNP rs750038729, ClinGen allele CA8052562.

ClinVar aggregate classification (germline): Likely benign (1 of 4 stars; one submission).

Allele frequency attached by ClinVar (database versions not stated): ExAC 0.00002; TOPMed 0.00003; gnomAD exomes 0.00006; gnomAD 0.00008.
gnomAD v4.1: 103 of 1,613,758 alleles (0.0064%); highest among the groups gnomAD compares: Non-Finnish European, 0.0082%; no homozygotes.

Submission:

CeGaT Center for Human Genetics Tuebingen
Classification: Likely benign. Last evaluated: 2023-12-01. Review status: criteria provided, single submitter. Criteria: CeGaT Center For Human Genetics Tuebingen Variant Classification Criteria Version 2. Collection method: clinical testing. Allele origin: germline. Affected: yes. Observed: 1 variant allele.
Comment: CYLD: BP4, BP7